The following is an entry in ClinVar:

NM_012330.4(KAT6B):c.5257G>T (p.Gly1753Cys)

Gene: KAT6B (lysine acetyltransferase 6B; plus strand). Cytogenetic location: 10q22.2.
Variant type: single nucleotide variant.
Coding change: c.5257G>T on transcript NM_012330.4 (MANE Select); coding-DNA position 5257, G replaced by T.
Protein change: p.Gly1753Cys; replaces glycine 1753 with cysteine.
Molecular consequence: missense variant.
Genome position (GRCh38, 1-based): chr10:75,030,081, G>T. VCF-style: chr10-75030081-G-T. GRCh37 (hg19) VCF-style: chr10-76789839-G-T.
Other names: c.3568G>T, p.Gly1190Cys (NM_001370133.1); c.3172G>T, p.Gly1058Cys (NM_001370134.1); c.2914G>T, p.Gly972Cys (NM_001370135.1); c.5257G>T, p.Gly1753Cys (NM_001370136.1, NM_001370137.1); c.4708G>T, p.Gly1570Cys (NM_001370138.1, NM_001256468.2); c.4381G>T, p.Gly1461Cys (NM_001370139.1, NM_001370140.1, NM_001370141.1 and 2 more transcripts); c.4219G>T, p.Gly1407Cys (NM_001370132.1); c.4192G>T, p.Gly1398Cys (NM_001370143.1, NM_001370144.1); short protein forms G1058C, G1190C, G1461C, G1753C, G1570C, G1398C, G1407C, G972C.
Identifiers: ClinVar variation 2126296 (VCV002126296.4), dbSNP rs1245630656, ClinGen allele CA377300586.

ClinVar aggregate classification (germline): Uncertain significance (1 of 4 stars; one submission).

Conditions:
Genitopatellar syndrome (GTPTS). Also called: ABSENT PATELLAE, SCROTAL HYPOPLASIA, RENAL ANOMALIES, FACIAL DYSMORPHISM, AND MENTAL RETARDATION; Genitopatellar syndrome (GPS). Identifiers: Orphanet 85201, MedGen C1853566, MONDO:0011640, OMIM 606170.

Allele frequency attached by ClinVar (database versions not stated): gnomAD exomes below 0.00001; gnomAD 0.00001.
gnomAD v4.1: 4 of 1,614,106 alleles (0.00025%); highest among the groups gnomAD compares: Admixed American, 0.0067%; no homozygotes.

Submission:

Labcorp Genetics (formerly Invitae), Labcorp
Classification: Uncertain significance for Genitopatellar syndrome. Last evaluated: 2022-08-31. Review status: criteria provided, single submitter. Criteria: Invitae Variant Classification Sherloc (09022015). Collection method: clinical testing. Allele origin: germline.
Comment: In summary, the available evidence is currently insufficient to determine the role of this variant in disease. Therefore, it has been classified as a Variant of Uncertain Significance. Algorithms developed to predict the effect of missense changes on protein structure and function are either unavailable or do not agree on the potential impact of this missense change (SIFT: "Deleterious"; PolyPhen-2: "Probably Damaging"; Align-GVGD: "Class C0"). This variant has not been reported in the literature in individuals affected with KAT6B-related conditions. This variant is present in population databases (no rsID available, gnomAD 0.003%). This sequence change replaces glycine, which is neutral and non-polar, with cysteine, which is neutral and slightly polar, at codon 1753 of the KAT6B protein (p.Gly1753Cys).